The following is an entry in ClinVar:

NM_152416.4(NDUFAF6):c.297+16C>A

Gene: NDUFAF6 (NADH:ubiquinone oxidoreductase complex assembly factor 6; plus strand). Cytogenetic location: 8q22.1.
Variant type: single nucleotide variant.
Coding change: c.297+16C>A on transcript NM_152416.4 (MANE Select); 16 bases into the intron after coding-DNA position 297, C replaced by A.
Molecular consequence: intron variant.
Genome position (GRCh38, 1-based): chr8:95,032,110, C>A. VCF-style: chr8-95032110-C-A. GRCh37 (hg19) VCF-style: chr8-96044338-C-A.
Other names: c.-37+16C>A (NM_001354534.2); c.21+12C>A (NM_001354514.2, NM_001354515.2, NM_001330582.2 and 1 more transcripts); c.-353+12C>A (NM_001354525.2, NM_001354524.2); c.-284+16C>A (NM_001354522.2, NM_001354529.2); c.141+16C>A (NM_001354516.2); c.-468+12C>A (NM_001354528.2); c.-497+12C>A (NM_001354527.2); c.-152+12C>A (NM_001354518.2); and 6 more.
Identifiers: ClinVar variation 509985 (VCV000509985.6), dbSNP rs762409603, ClinGen allele CA4814722.
Genomic context (GRCh38, chr8:95,032,110, plus strand): 5'-AGCTCTGTTTTTGCACTGAGGGCCTTTAATGTGGAACTGGCTCAGGCTGGTATTAAGATA[C>A]CTTAAAATATTATTTGCGAAATGGTGATATAAGGTGTTTAATGCTGAACAATAAAGAAAT-3'

ClinVar aggregate classification (germline): Likely benign. Review status: criteria provided, multiple submitters, no conflicts (2 of 4 stars). 4 submissions from 4 submitters: Likely benign (4). Last evaluated 2024-09-23.

Allele frequency attached by ClinVar (database versions not stated): TOPMed 0.00002; ExAC 0.00005; gnomAD 0.00005; gnomAD exomes 0.00005.
gnomAD v4.1: 53 of 1,601,016 alleles (0.0033%); highest among the groups gnomAD compares: Middle Eastern, 0.049%; no homozygotes.

Submissions (4):

Blueprint Genetics
Classification: Likely benign. Last evaluated: 2024-09-23. Review status: criteria provided, single submitter. Criteria: ACMG Guidelines, 2015. Collection method: clinical testing. Allele origin: germline.

Labcorp Genetics (formerly Invitae), Labcorp
Classification: Likely benign. Last evaluated: 2024-01-04. Review status: criteria provided, single submitter. Criteria: Invitae Variant Classification Sherloc (09022015). Collection method: clinical testing. Allele origin: germline.

GeneDx
Classification: Likely benign. Last evaluated: 2017-06-12. Review status: criteria provided, single submitter. Criteria: GeneDx Variant Classification (06012015). Collection method: clinical testing. Allele origin: germline. Affected: yes.
Comment: This variant is considered likely benign or benign based on one or more of the following criteria: it is a conservative change, it occurs at a poorly conserved position in the protein, it is predicted to be benign by multiple in silico algorithms, and/or has population frequency not consistent with disease.

Breakthrough Genomics
Classification: Likely benign. Review status: criteria provided, single submitter. Criteria: ACMG Guidelines, 2015. Collection method: not provided. Allele origin: germline. Inheritance: Autosomal recessive inheritance. Affected: yes.